The following is an entry in ClinVar:

ClinVar aggregate classification (germline): Uncertain significance. Review status: criteria provided, multiple submitters, no conflicts (2 of 4 stars). 4 submissions from 4 submitters: Uncertain significance (4). Last evaluated 2026-01-27.

Conditions:
DCHS1-related disorder. Also called: DCHS1-related condition.
Inborn genetic diseases. Identifiers: MedGen C0950123, MeSH D030342.

Allele frequency attached by ClinVar (database versions not stated): gnomAD exomes 0.00002 and 0.00004; gnomAD 0.00003 and 0.00004; TOPMed 0.00005; ExAC 0.00007.
gnomAD v4.1: 33 of 1,568,798 alleles (0.0021%); highest among the groups gnomAD compares: Non-Finnish European, 0.0025%; no homozygotes.

Submissions (4):

Labcorp Genetics (formerly Invitae), Labcorp
Classification: Uncertain significance. Last evaluated: 2026-01-27. Review status: criteria provided, single submitter. Criteria: Invitae Variant Classification Sherloc (09022015). Collection method: clinical testing. Allele origin: germline.
Comment: This sequence change replaces arginine, which is basic and polar, with glutamine, which is neutral and polar, at codon 951 of the DCHS1 protein (p.Arg951Gln). This variant is present in population databases (rs760791115, gnomAD 0.009%). This variant has not been reported in the literature in individuals affected with DCHS1-related conditions. ClinVar contains an entry for this variant (Variation ID: 520668). Invitae Evidence Modeling of protein sequence and biophysical properties (such as structural, functional, and spatial information, amino acid conservation, physicochemical variation, residue mobility, and thermodynamic stability) indicates that this missense variant is not expected to disrupt DCHS1 protein function with a negative predictive value of 80%. In summary, the available evidence is currently insufficient to determine the role of this variant in disease. Therefore, it has been classified as a Variant of Uncertain Significance.

PreventionGenetics, part of Exact Sciences
Classification: Uncertain significance for DCHS1-related condition. Last evaluated: 2023-03-15. Review status: criteria provided, single submitter. Criteria: ACMG Guidelines, 2015. Collection method: clinical testing. Allele origin: germline.
Comment: The DCHS1 c.2852G>A variant is predicted to result in the amino acid substitution p.Arg951Gln. To our knowledge, this variant has not been reported in the literature. This variant is reported in 0.0096% of alleles in individuals of European (Non-Finnish) descent in gnomAD. At this time, the clinical significance of this variant is uncertain due to the absence of conclusive functional and genetic evidence.

Blueprint Genetics
Classification: Uncertain significance. Last evaluated: 2021-09-30. Review status: criteria provided, single submitter. Criteria: ACMG Guidelines, 2015. Collection method: clinical testing. Allele origin: germline.

Ambry Genetics
Classification: Uncertain significance for Inborn genetic diseases. Last evaluated: 2015-05-12. Review status: criteria provided, single submitter. Criteria: Ambry exome assertion method (8-5-2015). Collection method: clinical testing. Allele origin: germline. Affected: yes. Observed: 1 variant allele.

NM_003737.4(DCHS1):c.2852G>A (p.Arg951Gln)

Gene: DCHS1 (dachsous cadherin-related 1; minus strand). Cytogenetic location: 11p15.4.
Variant type: single nucleotide variant.
Coding change: c.2852G>A on transcript NM_003737.4 (MANE Select); coding-DNA position 2852, G replaced by A.
Protein change: p.Arg951Gln; replaces arginine 951 with glutamine.
Molecular consequence: missense variant.
Genome position (GRCh38, 1-based): chr11:6,632,660, C>T on the plus strand (G>A on the coding strand, the complement: DCHS1 is on the minus strand). VCF-style: chr11-6632660-C-T. GRCh37 (hg19) VCF-style: chr11-6653891-C-T.
Other names: c.2852G>A (NM_003737.3); short protein forms R951Q.
Identifiers: ClinVar variation 520668 (VCV000520668.13), dbSNP rs760791115, ClinGen allele CA5860642.